The following is an entry in ClinVar:

NM_000138.5(FBN1):c.7279T>C (p.Cys2427Arg)

Gene: FBN1 (fibrillin 1; minus strand). Cytogenetic location: 15q21.1.
Variant type: single nucleotide variant.
Coding change: c.7279T>C on transcript NM_000138.5 (MANE Select); coding-DNA position 7279, T replaced by C.
Protein change: p.Cys2427Arg; replaces cysteine 2427 with arginine.
Molecular consequence: missense variant.
Genome position (GRCh38, 1-based): chr15:48,425,790, A>G on the plus strand (T>C on the coding strand, the complement: FBN1 is on the minus strand). VCF-style: chr15-48425790-A-G. GRCh37 (hg19) VCF-style: chr15-48717987-A-G.
Other names: short protein forms C2427R.
Identifiers: ClinVar variation 576527 (VCV000576527.11), dbSNP rs1566892883, ClinGen allele CA392328626.

ClinVar aggregate classification (germline): Likely pathogenic (1 of 4 stars; one submission).

Conditions:
Familial thoracic aortic aneurysm and aortic dissection (TAAD). Also called: Thoracic aortic aneurysms and dissections. Identifiers: Orphanet 91387, MedGen C4707243, MONDO:0019625.
Marfan syndrome (MFS). Also called: FBN1-Related Marfan Syndrome; Marfan syndrome type 1; Marfan's syndrome; Marfan syndrome, classic; MARFAN SYNDROME, TYPE I. Identifiers: Orphanet 284963, Orphanet 558, MedGen C0024796, MONDO:0007947, OMIM 154700.

Submission:

Labcorp Genetics (formerly Invitae), Labcorp
Classification: Likely pathogenic for Marfan syndrome; Familial thoracic aortic aneurysm and aortic dissection. Last evaluated: 2020-04-27. Review status: criteria provided, single submitter. Criteria: Invitae Variant Classification Sherloc (09022015). Collection method: clinical testing. Allele origin: germline.
Comment: In summary, the currently available evidence indicates that the variant is pathogenic, but additional data are needed to prove that conclusively. Therefore, this variant has been classified as Likely Pathogenic. Algorithms developed to predict the effect of missense changes on protein structure and function do not agree on the potential impact of this missense change (SIFT: "Deleterious"; PolyPhen-2: "Probably Damaging"; Align-GVGD: "Class C0"). This variant affects a cysteine residue located within an epidermal-growth-factor (EGF)–like domain of the FBN1 protein. Cysteine residues in these domains have been shown to be involved in the formation of disulfide bridges, which are critical for FBN1 protein structure and stability (PMID: 10486319, 3495735, 4750422, 16677079). In addition, missense substitutions within the FBN1 EGF-like domains affecting cysteine residues are significantly overrepresented among patients with Marfan syndrome (PMID: 16571647, 17701892). This variant has not been reported in the literature in individuals with FBN1-related disease. This variant is not present in population databases (ExAC no frequency). This sequence change replaces cysteine with arginine at codon 2427 of the FBN1 protein (p.Cys2427Arg). The cysteine residue is highly conserved and there is a large physicochemical difference between cysteine and arginine.

Literature cited by the submitters: PubMed 10486319; PubMed 3495735; PubMed 4750422; PubMed 16677079; PubMed 16571647; PubMed 17701892.